The following is an entry in ClinVar:

ClinVar aggregate classification (germline): Uncertain significance (1 of 4 stars; one submission).

Conditions:
Epidermolysis bullosa simplex 3, localized or generalized intermediate, with BP230 deficiency (EBS3). Also called: Epidermolysis bullosa simplex, autosomal recessive 2; Epidermolysis bullosa simplex due to BP230 deficiency. Identifiers: Orphanet 412181, MedGen C3809470, MONDO:0014180, OMIM 615425.
Hereditary sensory and autonomic neuropathy type 6. Also called: Neuropathy, hereditary sensory and autonomic, type VI; HSAN VI. Identifiers: Orphanet 314381, MedGen C3539003, MONDO:0013839, OMIM 614653.

Allele frequency attached by ClinVar (database versions not stated): gnomAD exomes below 0.00001 and 0.00001; ExAC 0.00002; TOPMed 0.00004; gnomAD 0.00005.
gnomAD v4.1: 9 of 1,610,836 alleles (0.00056%); highest among the groups gnomAD compares: African/African-American, 0.012%; no homozygotes.

Submission:

Labcorp Genetics (formerly Invitae), Labcorp
Classification: Uncertain significance for Epidermolysis bullosa simplex 3, localized or generalized intermediate, with BP230 deficiency; Hereditary sensory and autonomic neuropathy type 6. Last evaluated: 2022-09-06. Review status: criteria provided, single submitter. Criteria: Invitae Variant Classification Sherloc (09022015). Collection method: clinical testing. Allele origin: germline.
Comment: The DST gene has multiple clinically relevant transcripts. This variant occurs in alternate transcript NM_015548.4, and corresponds to NM_001723.5:c.*41633A>G in the primary transcript. This sequence change replaces aspartic acid, which is acidic and polar, with glycine, which is neutral and non-polar, at codon 1721 of the DST protein (p.Asp1721Gly). This variant is present in population databases (rs774089161, gnomAD 0.01%). This variant has not been reported in the literature in individuals affected with DST-related conditions. ClinVar contains an entry for this variant (Variation ID: 1042858). Experimental studies and prediction algorithms are not available or were not evaluated, and the functional significance of this variant is currently unknown. In summary, the available evidence is currently insufficient to determine the role of this variant in disease. Therefore, it has been classified as a Variant of Uncertain Significance.

NM_001374736.1(DST):c.13031A>G (p.Asp4344Gly)

Gene: DST (dystonin; minus strand). Cytogenetic location: 6p12.1.
Variant type: single nucleotide variant.
Coding change: c.13031A>G on transcript NM_001374736.1 (MANE Select); coding-DNA position 13031, A replaced by G.
Protein change: p.Asp4344Gly; replaces aspartic acid 4344 with glycine.
Molecular consequence: missense variant.
Genome position (GRCh38, 1-based): chr6:56,573,884, T>C on the plus strand (A>G on the coding strand, the complement: DST is on the minus strand). VCF-style: chr6-56573884-T-C. GRCh37 (hg19) VCF-style: chr6-56438682-T-C.
Other names: c.6674A>G, p.Asp2225Gly (NM_001144769.5); c.6260A>G, p.Asp2087Gly (NM_001144770.2); c.13031A>G, p.Asp4344Gly (NM_001374722.1); c.12398A>G, p.Asp4133Gly (NM_001374729.1); c.6140A>G, p.Asp2047Gly (NM_001374730.1, NM_001386100.1, NM_183380.4); c.13058A>G, p.Asp4353Gly (NM_001374734.1); c.5162A>G, p.Asp1721Gly (NM_015548.5); short protein forms D2047G, D1721G, D2087G, D4353G, D2225G, D4133G, D4344G.
Identifiers: ClinVar variation 1042858 (VCV001042858.6), dbSNP rs774089161, ClinGen allele CA3868296.
Genomic context (GRCh38, chr6:56,573,884, plus strand): 5'-TGGAGTTTTTCATTTCGTTCATTAACAGACTTGGACAGATCCTCATATCTCCCAACAATG[T>C]CATCTACTCCAAACAGATCAGGAATATTAACCACAAAGTTCTCTTTGCCCTATCCCTTTT-3'
Protein context (NP_001361665.1, residues 4334-4354): AKNDIQKTLD[Asp4344Gly]IVGRYEDLSK